The following is an entry in ClinVar:

NM_004994.3(MMP9):c.1456A>G (p.Thr486Ala)

Gene: MMP9 (matrix metallopeptidase 9; plus strand). Cytogenetic location: 20q13.12.
Variant type: single nucleotide variant.
Coding change: c.1456A>G on transcript NM_004994.3 (MANE Select); coding-DNA position 1456, A replaced by G.
Protein change: p.Thr486Ala; replaces threonine 486 with alanine.
Molecular consequence: missense variant.
Genome position (GRCh38, 1-based): chr20:46,013,380, A>G. VCF-style: chr20-46013380-A-G. GRCh37 (hg19) VCF-style: chr20-44642019-A-G.
Other names: short protein forms T486A.
Identifiers: ClinVar variation 3728667 (VCV003728667.2).

ClinVar aggregate classification (germline): Uncertain significance (1 of 4 stars; one submission).

Submission:

Labcorp Genetics (formerly Invitae), Labcorp
Classification: Uncertain significance. Last evaluated: 2025-01-08. Review status: criteria provided, single submitter. Criteria: Invitae Variant Classification Sherloc (09022015). Collection method: clinical testing. Allele origin: germline.
Comment: This sequence change replaces threonine, which is neutral and polar, with alanine, which is neutral and non-polar, at codon 486 of the MMP9 protein (p.Thr486Ala). This variant is not present in population databases (gnomAD no frequency). This variant has not been reported in the literature in individuals affected with MMP9-related conditions. An algorithm developed to predict the effect of missense changes on protein structure and function (PolyPhen-2) suggests that this variant is likely to be tolerated. In summary, the available evidence is currently insufficient to determine the role of this variant in disease. Therefore, it has been classified as a Variant of Uncertain Significance.